The following is an entry in ClinVar:

ClinVar aggregate classification (germline): Likely benign. Review status: criteria provided, single submitter (1 of 4 stars). 2 submissions from 2 submitters: Likely benign (1). 1 of the submissions does not count toward it. Last evaluated 2024-01-25.

Conditions:
CEP290-related disorder. Also called: CEP290-related disorders; CEP290-related condition. Identifiers: MedGen CN239314.
Nephronophthisis. Also called: Juvenile Nephronophthisis. Identifiers: Orphanet 655, MedGen C0687120, MONDO:0019005, HP:0000090.
Meckel-Gruber syndrome. Also called: DYSENCEPHALIA SPLANCHNOCYSTICA; GRUBER SYNDROME; Dysencephalia splachnocystica. Identifiers: Orphanet 564, MedGen C0265215, MONDO:0018921.
Joubert syndrome. Also called: CEREBELLOPARENCHYMAL DISORDER IV; JOUBERT-BOLTSHAUSER SYNDROME; Familial aplasia of the vermis. Identifiers: Orphanet 475, MedGen C5979921, MONDO:0018772.

Allele frequency attached by ClinVar (database versions not stated): gnomAD exomes below 0.00001.
gnomAD v4.1: 3 of 1,517,680 alleles (0.0002%); highest among the groups gnomAD compares: African/African-American, 0.0027%; no homozygotes.

Submissions (2):

Labcorp Genetics (formerly Invitae), Labcorp
Classification: Likely benign for Joubert syndrome; Meckel-Gruber syndrome; Nephronophthisis. Last evaluated: 2024-01-25. Review status: criteria provided, single submitter. Criteria: Invitae Variant Classification Sherloc (09022015). Collection method: clinical testing. Allele origin: germline.

PreventionGenetics, part of Exact Sciences
Classification: Likely benign for CEP290-related condition. Last evaluated: 2024-08-21. Review status: no assertion criteria provided. Collection method: clinical testing. Allele origin: germline. Not counted in ClinVar's aggregate classification.
Comment: This variant is classified as likely benign based on ACMG/AMP sequence variant interpretation guidelines (Richards et al. 2015 PMID: 25741868, with internal and published modifications).

NM_025114.4(CEP290):c.7119C>T (p.Ser2373=)

Gene: CEP290 (centrosomal protein 290; minus strand). Cytogenetic location: 12q21.32.
Variant type: single nucleotide variant.
Coding change: c.7119C>T on transcript NM_025114.4 (MANE Select); coding-DNA position 7119, C replaced by T.
Protein change: p.Ser2373=; no amino-acid change (serine 2373 retained).
Molecular consequence: synonymous variant.
Genome position (GRCh38, 1-based): chr12:88,053,662, G>A on the plus strand (C>T on the coding strand, the complement: CEP290 is on the minus strand). VCF-style: chr12-88053662-G-A. GRCh37 (hg19) VCF-style: chr12-88447439-G-A.
Other names: c.7119C>T (NM_025114.3).
Identifiers: ClinVar variation 1548545 (VCV001548545.9), dbSNP rs2136623871, ClinGen allele CA481053586.